The following is an entry in ClinVar:

ClinVar aggregate classification (germline): Uncertain significance (1 of 4 stars; one submission).

Conditions:
Familial cold autoinflammatory syndrome 3 (FCAS3). Also called: FAMILIAL ATYPICAL COLD URTICARIA; ANTIBODY DEFICIENCY AND IMMUNE DYSREGULATION, PLCG2-ASSOCIATED. Identifiers: Orphanet 300359, MedGen C3280914, MONDO:0013766, OMIM 614468.

Allele frequency attached by ClinVar (database versions not stated): gnomAD exomes below 0.00001.
gnomAD v4.1: 2 of 1,608,910 alleles (0.00012%); highest among the groups gnomAD compares: Admixed American, 0.0034%; no homozygotes.

Submission:

Labcorp Genetics (formerly Invitae), Labcorp
Classification: Uncertain significance for Familial cold autoinflammatory syndrome 3. Last evaluated: 2023-11-14. Review status: criteria provided, single submitter. Criteria: Invitae Variant Classification Sherloc (09022015). Collection method: clinical testing. Allele origin: germline.
Comment: This sequence change replaces leucine, which is neutral and non-polar, with valine, which is neutral and non-polar, at codon 1076 of the PLCG2 protein (p.Leu1076Val). This variant is present in population databases (no rsID available, gnomAD 0.003%). This variant has not been reported in the literature in individuals affected with PLCG2-related conditions. ClinVar contains an entry for this variant (Variation ID: 1971769). An algorithm developed to predict the effect of missense changes on protein structure and function (PolyPhen-2) suggests that this variant is likely to be tolerated. In summary, the available evidence is currently insufficient to determine the role of this variant in disease. Therefore, it has been classified as a Variant of Uncertain Significance.

NM_002661.5(PLCG2):c.3226C>G (p.Leu1076Val)

Gene: PLCG2 (phospholipase C gamma 2; plus strand). Cytogenetic location: 16q23.3.
Variant type: single nucleotide variant.
Coding change: c.3226C>G on transcript NM_002661.5 (MANE Select); coding-DNA position 3226, C replaced by G.
Protein change: p.Leu1076Val; replaces leucine 1076 with valine.
Molecular consequence: missense variant.
Genome position (GRCh38, 1-based): chr16:81,938,828, C>G. VCF-style: chr16-81938828-C-G. GRCh37 (hg19) VCF-style: chr16-81972433-C-G.
Other names: short protein forms L1076V.
Identifiers: ClinVar variation 1971769 (VCV001971769.5), dbSNP rs1272977976, ClinGen allele CA396907374.
Genomic context (GRCh38, chr16:81,938,828, plus strand): 5'-GGGGGGTTCCAATGCTTCCCTTTGGTGTCCCAGGTTCTCGGTGCTCGCCATCTCCCCAAA[C>G]TTGGACGAAGTATTGCCTGTCCCTTTGTAGAAGTGGAGATCTGTGGAGCCGAGTATGACA-3'
Protein context (NP_002652.2, residues 1066-1086): KVLGARHLPK[Leu1076Val]GRSIACPFVE